The following is an entry in ClinVar:

ClinVar aggregate classification (germline): Pathogenic (1 of 4 stars; one submission).

Conditions:
ALG6-congenital disorder of glycosylation 1C (CDG1C). Also called: CARBOHYDRATE-DEFICIENT GLYCOPROTEIN SYNDROME, TYPE V; Congenital disorder of glycosylation type 1C; CDG Ic; CARBOHYDRATE-DEFICIENT GLYCOPROTEIN SYNDROME, TYPE I, WITH DEFICIENT GLYCOSYLATION OF DOLICHOL-LINKED OLIGOSACCHARIDE; Congenital disorder of glycosylation, type Ic. Identifiers: Orphanet 79320, MedGen C2930997, MONDO:0011291, OMIM 603147.

Submission:

Labcorp Genetics (formerly Invitae), Labcorp
Classification: Pathogenic for ALG6-congenital disorder of glycosylation 1C. Last evaluated: 2023-12-24. Review status: criteria provided, single submitter. Criteria: Invitae Variant Classification Sherloc (09022015). Collection method: clinical testing. Allele origin: germline.
Comment: This sequence change creates a premature translational stop signal (p.Tyr166*) in the ALG6 gene. It is expected to result in an absent or disrupted protein product. Loss-of-function variants in ALG6 are known to be pathogenic (PMID: 19862844). This variant is not present in population databases (gnomAD no frequency). This variant has not been reported in the literature in individuals affected with ALG6-related conditions. For these reasons, this variant has been classified as Pathogenic.

Literature cited by the submitters: PubMed 19862844.

NM_013339.4(ALG6):c.498T>G (p.Tyr166Ter)

Gene: ALG6 (ALG6 alpha-1,3-glucosyltransferase; plus strand). Cytogenetic location: 1p31.3.
Variant type: single nucleotide variant.
Coding change: c.498T>G on transcript NM_013339.4 (MANE Select); coding-DNA position 498, T replaced by G.
Protein change: p.Tyr166Ter; replaces tyrosine 166 with a stop codon.
Molecular consequence: nonsense.
Genome position (GRCh38, 1-based): chr1:63,411,149, T>G. VCF-style: chr1-63411149-T-G. GRCh37 (hg19) VCF-style: chr1-63876820-T-G.
Other names: short protein forms Y166*.
Identifiers: ClinVar variation 2802430 (VCV002802430.3), dbSNP rs2523747807, ClinGen allele CA340634840.